The following is an entry in ClinVar:

ClinVar aggregate classification (germline): Uncertain significance. Review status: criteria provided, multiple submitters, no conflicts (2 of 4 stars). 2 submissions from 2 submitters: Uncertain significance (2). Last evaluated 2026-02-04.

Conditions:
ATP1A2-related disorder. Also called: ATP1A2-related condition; ATP1A2-RELATED DISORDERS.
Familial hemiplegic migraine. Identifiers: MedGen C0338484, MONDO:0000700.

Allele frequency attached by ClinVar (database versions not stated): ExAC 0.00001; gnomAD 0.00001 and 0.00002; gnomAD exomes 0.00001; TOPMed 0.00001.
gnomAD v4.1: 17 of 1,614,144 alleles (0.0011%); highest among the groups gnomAD compares: South Asian, 0.0044%; no homozygotes.

Submissions (2):

GeneDx
Classification: Uncertain significance. Last evaluated: 2026-02-04. Review status: criteria provided, single submitter. Criteria: GeneDx Variant Classification Process June 2021. Collection method: clinical testing. Allele origin: germline.
Comment: In silico analysis suggests that this missense variant does not alter protein structure/function; Has not been previously published as pathogenic or benign to our knowledge

Labcorp Genetics (formerly Invitae), Labcorp
Classification: Uncertain significance for Familial hemiplegic migraine. Last evaluated: 2025-02-24. Review status: criteria provided, single submitter. Criteria: Invitae Variant Classification Sherloc (09022015). Collection method: clinical testing. Allele origin: germline.
Comment: This sequence change replaces arginine, which is basic and polar, with glutamine, which is neutral and polar, at codon 262 of the ATP1A2 protein (p.Arg262Gln). This variant is present in population databases (rs769129830, gnomAD 0.007%). This variant has not been reported in the literature in individuals affected with ATP1A2-related conditions. ClinVar contains an entry for this variant (Variation ID: 940234). Invitae Evidence Modeling of protein sequence and biophysical properties (such as structural, functional, and spatial information, amino acid conservation, physicochemical variation, residue mobility, and thermodynamic stability) indicates that this missense variant is not expected to disrupt ATP1A2 protein function with a negative predictive value of 80%. In summary, the available evidence is currently insufficient to determine the role of this variant in disease. Therefore, it has been classified as a Variant of Uncertain Significance.

NM_000702.4(ATP1A2):c.785G>A (p.Arg262Gln)

Gene: ATP1A2 (ATPase Na+/K+ transporting subunit alpha 2; plus strand). Cytogenetic location: 1q23.2.
Variant type: single nucleotide variant.
Coding change: c.785G>A on transcript NM_000702.4 (MANE Select); coding-DNA position 785, G replaced by A.
Protein change: p.Arg262Gln; replaces arginine 262 with glutamine.
Molecular consequence: missense variant.
Genome position (GRCh38, 1-based): chr1:160,127,588, G>A. VCF-style: chr1-160127588-G-A. GRCh37 (hg19) VCF-style: chr1-160097378-G-A.
Other names: short protein forms R262Q.
Identifiers: ClinVar variation 940234 (VCV000940234.9), dbSNP rs769129830, ClinGen allele CA1194289.